The following is an entry in ClinVar:

ClinVar aggregate classification (germline): Pathogenic (1 of 4 stars; one submission).

Submission:

Labcorp Genetics (formerly Invitae), Labcorp
Classification: Pathogenic. Last evaluated: 2023-05-26. Review status: criteria provided, single submitter. Criteria: Invitae Variant Classification Sherloc (09022015). Collection method: clinical testing. Allele origin: germline.
Comment: For these reasons, this variant has been classified as Pathogenic. This variant has not been reported in the literature in individuals affected with ADGRV1-related conditions. This variant is not present in population databases (gnomAD no frequency). This sequence change creates a premature translational stop signal (p.Glu478*) in the ADGRV1 gene. It is expected to result in an absent or disrupted protein product. Loss-of-function variants in ADGRV1 are known to be pathogenic (PMID: 19357117, 22135276, 22147658, 26226137, 30718709, 31047384, 32467589).

Literature cited by the submitters: PubMed 19357117; PubMed 22135276; PubMed 22147658; PubMed 26226137; PubMed 30718709; PubMed 31047384; PubMed 32467589.

NM_032119.4(ADGRV1):c.1432G>T (p.Glu478Ter)

Gene: ADGRV1 (adhesion G protein-coupled receptor V1; plus strand). Cytogenetic location: 5q14.3.
Variant type: single nucleotide variant.
Coding change: c.1432G>T on transcript NM_032119.4 (MANE Select); coding-DNA position 1432, G replaced by T.
Protein change: p.Glu478Ter; replaces glutamic acid 478 with a stop codon.
Molecular consequence: nonsense. On other transcripts: non-coding transcript variant (1).
Genome position (GRCh38, 1-based): chr5:90,628,755, G>T. VCF-style: chr5-90628755-G-T. GRCh37 (hg19) VCF-style: chr5-89924572-G-T.
Other names: short protein forms E478*.
Identifiers: ClinVar variation 2727196 (VCV002727196.3), dbSNP rs1438790668, ClinGen allele CA360372521.